The following is an entry in ClinVar:

ClinVar aggregate classification (germline): Uncertain significance (1 of 4 stars; one submission).

Conditions:
CEP164-related disorder. Also called: CEP164-related condition.

Submission:

PreventionGenetics, part of Exact Sciences
Classification: Uncertain significance for CEP164-related condition. Last evaluated: 2026-03-11. Review status: criteria provided, single submitter. Criteria: ACMG Guidelines, 2015. Collection method: clinical testing. Allele origin: germline.
Comment: The CEP164 c.1608T>G variant is predicted to result in the amino acid substitution p.Cys536Trp. To our knowledge, this variant has not been reported in the literature. This variant is reported in 0.0033% of alleles in individuals of South Asian descent in gnomAD. At this time, the clinical significance of this variant is uncertain due to the absence of conclusive functional and genetic evidence.

NM_014956.5(CEP164):c.1608T>G (p.Cys536Trp)

Gene: CEP164 (centrosomal protein 164; plus strand). Cytogenetic location: 11q23.3.
Variant type: single nucleotide variant.
Coding change: c.1608T>G on transcript NM_014956.5 (MANE Select); coding-DNA position 1608, T replaced by G.
Protein change: p.Cys536Trp; replaces cysteine 536 with tryptophan.
Molecular consequence: missense variant. On other transcripts: intron variant (27).
Genome position (GRCh38, 1-based): chr11:117,382,826, T>G. VCF-style: chr11-117382826-T-G. GRCh37 (hg19) VCF-style: chr11-117253542-T-G.
Other names: c.1617T>G, p.Cys539Trp (NM_001271933.2, NM_001440949.1); c.1608T>G, p.Cys536Trp (NM_001440950.1, NM_001440951.1, NM_001440953.1 and 1 more transcripts); c.1530T>G, p.Cys510Trp (NM_001440954.1, NM_001440955.1, NM_001440958.1 and 2 more transcripts); c.1479T>G, p.Cys493Trp (NM_001440960.1); c.1449T>G, p.Cys483Trp (NM_001440972.1); c.1586+958T>G (NM_001440967.1, NM_001440961.1); c.1637+958T>G (NM_001440956.1, NM_001440957.1); c.1577+958T>G (NM_001440962.1, NM_001440970.1, NM_001440964.1 and 6 more transcripts); and 2 more; short protein forms C539W, C483W, C493W, C510W, C536W.
Identifiers: ClinVar variation 4996668 (VCV004996668.1).